The following is an entry in ClinVar:

ClinVar aggregate classification (germline): Uncertain significance. Review status: criteria provided, multiple submitters, no conflicts (2 of 4 stars). 2 submissions from 2 submitters: Uncertain significance (2). Last evaluated 2025-01-31.

Conditions:
Cardiovascular phenotype. Identifiers: MedGen CN230736.

gnomAD v4.1: 1 of 1,603,960 alleles (0.000062%); highest among the groups gnomAD compares: African/African-American, 0.0013%; no homozygotes.

Submissions (2):

Ambry Genetics
Classification: Uncertain significance for Cardiovascular phenotype. Last evaluated: 2025-01-31. Review status: criteria provided, single submitter. Criteria: Ambry Variant Classification Scheme 2023. Collection method: clinical testing. Allele origin: germline.

GeneDx
Classification: Uncertain significance. Last evaluated: 2023-12-14. Review status: criteria provided, single submitter. Criteria: GeneDx Variant Classification Process June 2021. Collection method: clinical testing. Allele origin: germline. Affected: yes.
Comment: Not observed at significant frequency in large population cohorts (gnomAD); In silico analysis supports that this missense variant does not alter protein structure/function; Has not been previously published as pathogenic or benign to our knowledge

NM_005477.3(HCN4):c.2207A>G (p.Tyr736Cys)

Gene: HCN4 (hyperpolarization activated cyclic nucleotide gated potassium channel 4; minus strand). Cytogenetic location: 15q24.1.
Variant type: single nucleotide variant.
Coding change: c.2207A>G on transcript NM_005477.3 (MANE Select); coding-DNA position 2207, A replaced by G.
Protein change: p.Tyr736Cys; replaces tyrosine 736 with cysteine.
Molecular consequence: missense variant.
Genome position (GRCh38, 1-based): chr15:73,323,886, T>C on the plus strand (A>G on the coding strand, the complement: HCN4 is on the minus strand). VCF-style: chr15-73323886-T-C. GRCh37 (hg19) VCF-style: chr15-73616227-T-C.
Other names: short protein forms Y736C.
Identifiers: ClinVar variation 3365541 (VCV003365541.2).